The following is an entry in ClinVar:

NM_001330260.2(SCN8A):c.4281+6G>T

Gene: SCN8A (sodium voltage-gated channel alpha subunit 8; plus strand). Cytogenetic location: 12q13.13.
Variant type: single nucleotide variant.
Coding change: c.4281+6G>T on transcript NM_001330260.2 (MANE Select); 6 bases into the intron after coding-DNA position 4281, G replaced by T.
Molecular consequence: intron variant.
Genome position (GRCh38, 1-based): chr12:51,788,754, G>T. VCF-style: chr12-51788754-G-T. GRCh37 (hg19) VCF-style: chr12-52182538-G-T.
Other names: c.4281+6G>T (NM_014191.4); c.4158+6G>T (NM_001177984.3, NM_001369788.1).
Identifiers: ClinVar variation 2994817 (VCV002994817.3), dbSNP rs2540305548, ClinGen allele CA2740092381.

ClinVar aggregate classification (germline): Uncertain significance (1 of 4 stars; one submission).

Conditions:
Early-infantile DEE. Also called: Early infantile epileptic encephalopathy with suppression bursts; Ohtahara syndrome; Early infantile epileptic encephalopathy. Identifiers: Orphanet 1934, MedGen C0393706, MONDO:0800491.

Submission:

Labcorp Genetics (formerly Invitae), Labcorp
Classification: Uncertain significance for Early-infantile DEE. Last evaluated: 2023-01-03. Review status: criteria provided, single submitter. Criteria: Invitae Variant Classification Sherloc (09022015). Collection method: clinical testing. Allele origin: germline.
Comment: This variant is not present in population databases (gnomAD no frequency). This sequence change falls in intron 23 of the SCN8A gene. It does not directly change the encoded amino acid sequence of the SCN8A protein. It affects a nucleotide within the consensus splice site. This variant has not been reported in the literature in individuals affected with SCN8A-related conditions. In summary, the available evidence is currently insufficient to determine the role of this variant in disease. Therefore, it has been classified as a Variant of Uncertain Significance. Variants that disrupt the consensus splice site are a relatively common cause of aberrant splicing (PMID: 17576681, 9536098). Algorithms developed to predict the effect of sequence changes on RNA splicing suggest that this variant may disrupt the consensus splice site.

Literature cited by the submitters: PubMed 17576681; PubMed 9536098.